The following is an entry in ClinVar:

ClinVar aggregate classification (germline): Uncertain significance (1 of 4 stars; one submission).

gnomAD v4.1: 1 of 1,581,720 alleles (0.000063%); highest among the groups gnomAD compares: Non-Finnish European, 0.000086%; no homozygotes.

Submission:

Labcorp Genetics (formerly Invitae), Labcorp
Classification: Uncertain significance. Last evaluated: 2026-01-08. Review status: criteria provided, single submitter. Criteria: Invitae Variant Classification Sherloc (09022015). Collection method: clinical testing. Allele origin: germline.
Comment: This sequence change replaces phenylalanine, which is neutral and non-polar, with leucine, which is neutral and non-polar, at codon 2738 of the DCHS1 protein (p.Phe2738Leu). This variant is not present in population databases (gnomAD no frequency). This variant has not been reported in the literature in individuals affected with DCHS1-related conditions. Invitae Evidence Modeling of protein sequence and biophysical properties (such as structural, functional, and spatial information, amino acid conservation, physicochemical variation, residue mobility, and thermodynamic stability) indicates that this missense variant is expected to disrupt DCHS1 protein function with a positive predictive value of 80%. In summary, the available evidence is currently insufficient to determine the role of this variant in disease. Therefore, it has been classified as a Variant of Uncertain Significance.

NM_003737.4(DCHS1):c.8214T>G (p.Phe2738Leu)

Gene: DCHS1 (dachsous cadherin-related 1; minus strand). Cytogenetic location: 11p15.4.
Variant type: single nucleotide variant.
Coding change: c.8214T>G on transcript NM_003737.4 (MANE Select); coding-DNA position 8214, T replaced by G.
Protein change: p.Phe2738Leu; replaces phenylalanine 2738 with leucine.
Molecular consequence: missense variant.
Genome position (GRCh38, 1-based): chr11:6,623,462, A>C on the plus strand (T>G on the coding strand, the complement: DCHS1 is on the minus strand). VCF-style: chr11-6623462-A-C. GRCh37 (hg19) VCF-style: chr11-6644693-A-C.
Other names: short protein forms F2738L.
Identifiers: ClinVar variation 4773771 (VCV004773771.1).
Genomic context (GRCh38, chr11:6,623,462, plus strand): 5'-AAATGCCTCACGGCCCTCAGGTCCTGGCCCAGCCTCCAACAGGCTGTAACGGAGCCTCCC[A>C]AAAGCCCCAGCATCCCCGTCGATTGCATGCAGAGTGGTCACGAGAGTGCCTGGAGGCTGA-3'
Protein context (NP_003728.1, residues 2728-2748): LHAIDGDAGA[Phe2738Leu]GRLRYSLLEA